The following is an entry in ClinVar:

NM_021926.4(ALX4):c.104G>C (p.Arg35Thr)

Gene: ALX4 (ALX homeobox 4; minus strand). Cytogenetic location: 11p11.2.
Variant type: single nucleotide variant.
Coding change: c.104G>C on transcript NM_021926.4 (MANE Select); coding-DNA position 104, G replaced by C.
Protein change: p.Arg35Thr; replaces arginine 35 with threonine.
Molecular consequence: missense variant.
Genome position (GRCh38, 1-based): chr11:44,309,959, C>G on the plus strand (G>C on the coding strand, the complement: ALX4 is on the minus strand). VCF-style: chr11-44309959-C-G. GRCh37 (hg19) VCF-style: chr11-44331509-C-G.
Other names: c.104G>C, p.Arg35Thr (LRG_1256t1); short protein forms R35T.
Identifiers: ClinVar variation 304715 (VCV000304715.23), dbSNP rs3824915, ClinGen allele CA5955811.

ClinVar aggregate classification (germline): Benign. Review status: criteria provided, multiple submitters, no conflicts (2 of 4 stars). 9 submissions from 8 submitters: Benign (7). 2 of the submissions do not count toward it. Last evaluated 2026-02-01.

Conditions:
Frontonasal dysplasia with alopecia and genital anomaly. Identifiers: Orphanet 228390, MedGen C3150703, MONDO:0013268, OMIM 613451.
Parietal foramina 2 (PFM2). Identifiers: Orphanet 60015, MedGen C1865044, MONDO:0012309, OMIM 609597.

Allele frequency attached by ClinVar (database versions not stated): TOPMed 0.41631; gnomAD 0.42227 and 0.43495; ESP Exome Variant Server 0.42421; 1000 Genomes Project 30x 0.46674; 1000 Genomes Project 0.47264; gnomAD exomes 0.50593; ExAC 0.59144.
gnomAD v4.1: 792,239 of 1,592,832 alleles (50%); highest among the groups gnomAD compares: South Asian, 77%; 202,647 homozygotes.

Submissions (9):

Labcorp Genetics (formerly Invitae), Labcorp
Classification: Benign. Last evaluated: 2026-02-01. Review status: criteria provided, single submitter. Criteria: Invitae Variant Classification Sherloc (09022015). Collection method: clinical testing. Allele origin: germline.

Blueprint Genetics
Classification: Benign. Last evaluated: 2024-11-27. Review status: criteria provided, single submitter. Criteria: ACMG Guidelines, 2015. Collection method: clinical testing. Allele origin: germline.

Genome-Nilou Lab
Classification: Benign for Frontonasal dysplasia with alopecia and genital anomaly. Last evaluated: 2021-07-14. Review status: criteria provided, single submitter. Criteria: ACMG Guidelines, 2015. Collection method: clinical testing. Allele origin: germline. Affected: no.

Genome-Nilou Lab
Classification: Benign for Parietal foramina 2. Last evaluated: 2021-07-14. Review status: criteria provided, single submitter. Criteria: ACMG Guidelines, 2015. Collection method: clinical testing. Allele origin: germline. Affected: no.

GeneDx
Classification: Benign. Last evaluated: 2018-10-16. Review status: criteria provided, single submitter. Criteria: GeneDx Variant Classification Process June 2021. Collection method: clinical testing. Allele origin: germline. Affected: yes.

Illumina Laboratory Services, Illumina
Classification: Benign for Parietal foramina 2. Last evaluated: 2018-01-13. Review status: criteria provided, single submitter. Criteria: ICSL Variant Classification Criteria 13 December 2019. Collection method: clinical testing. Allele origin: germline.
Comment: This variant was observed in the ICSL laboratory as part of a predisposition screen in an ostensibly healthy population. It had not been previously curated by ICSL or reported in the Human Gene Mutation Database (HGMD: prior to June 1st, 2018), and was therefore a candidate for classification through an automated scoring system. Utilizing variant allele frequency, disease prevalence and penetrance estimates, and inheritance mode, an automated score was calculated to assess if this variant is too frequent to cause the disease. Based on the score and internal cut-off values, a variant classified as benign is not then subjected to further curation. The score for this variant resulted in a classification of benign for this disease.

Breakthrough Genomics
Classification: Benign. Review status: criteria provided, single submitter. Criteria: ACMG Guidelines, 2015. Collection method: not provided. Allele origin: germline. Inheritance: Autosomal recessive inheritance. Affected: yes.

Clinical Genetics DNA and cytogenetics Diagnostics Lab, Erasmus MC, Erasmus Medical Center
Classification: Benign. Review status: no assertion criteria provided. Collection method: clinical testing. Allele origin: germline. Affected: yes. Study: VKGL Data-share Consensus. Not counted in ClinVar's aggregate classification.

Diagnostic Laboratory, Department of Genetics, University Medical Center Groningen
Classification: Benign. Review status: no assertion criteria provided. Collection method: clinical testing. Allele origin: germline. Affected: yes. Study: VKGL Data-share Consensus. Not counted in ClinVar's aggregate classification.